The following is an entry in ClinVar:

NM_000543.5(SMPD1):c.1486G>A (p.Gly496Ser)

Gene: SMPD1 (sphingomyelin phosphodiesterase 1; plus strand). Cytogenetic location: 11p15.4.
Variant type: single nucleotide variant.
Coding change: c.1486G>A on transcript NM_000543.5 (MANE Select); coding-DNA position 1486, G replaced by A.
Protein change: p.Gly496Ser; replaces glycine 496 with serine.
Molecular consequence: missense variant. On other transcripts: non-coding transcript variant (2).
Genome position (GRCh38, 1-based): chr11:6,394,041, G>A. VCF-style: chr11-6394041-G-A. GRCh37 (hg19) VCF-style: chr11-6415271-G-A.
Other names: c.1483G>A, p.Gly495Ser (NM_001007593.3); c.1486G>A, p.Val496Ile (NM_001318087.2); c.565G>A, p.Gly189Ser (NM_001318088.2); c.1354G>A, p.Gly452Ser (NM_001365135.2); short protein forms G496S, G495S, G189S, V496I, G452S.
Identifiers: ClinVar variation 558472 (VCV000558472.3), dbSNP rs1554935371, ClinGen allele CA379375609.

ClinVar aggregate classification (germline): Uncertain significance. Review status: criteria provided, single submitter (1 of 4 stars). 2 submissions from 2 submitters: Uncertain significance (1). 1 of the submissions does not count toward it. Last evaluated 2023-11-16.

Conditions:
Niemann-Pick disease, type A. Also called: SPHINGOMYELIN LIPIDOSIS; SPHINGOMYELINASE DEFICIENCY; Infantile Neurovisceral ASMD (Niemann-Pick Disease Type A; NPD-A). Identifiers: Orphanet 77292, MedGen C0268242, MONDO:0009756, OMIM 257200. Disease mechanism: loss of function.

Allele frequency attached by ClinVar (database versions not stated): gnomAD exomes below 0.00001; TOPMed below 0.00001; gnomAD 0.00001.
gnomAD v4.1: 3 of 1,614,034 alleles (0.00019%); highest among the groups gnomAD compares: African/African-American, 0.004%; no homozygotes.

Submissions (2):

Women's Health and Genetics/Laboratory Corporation of America, LabCorp
Classification: Uncertain significance. Last evaluated: 2023-11-16. Review status: criteria provided, single submitter. Criteria: LabCorp Variant Classification Summary - May 2015. Collection method: clinical testing. Allele origin: germline.
Comment: Variant summary: SMPD1 c.1486G>A (p.Gly496Ser) results in a non-conservative amino acid change in the encoded protein sequence. Three of four in-silico tools predict a damaging effect of the variant on protein function. The variant was absent in 251352 control chromosomes (gnomAD). The available data on variant occurrences in the general population are insufficient to allow any conclusion about variant significance. c.1486G>A has been reported in the literature in an individual(s) affected with Niemann-Pick Disease (Simonaro_2002). This report does not provide unequivocal conclusions about association of the variant with Niemann-Pick Disease. To our knowledge, no experimental evidence demonstrating an impact on protein function has been reported. The following publication has been ascertained in the context of this evaluation (PMID: 12369017). One submitter has cited a clinical-significance assessment for this variant to ClinVar after 2014 and has classified the variant as uncertain significance. Based on the evidence outlined above, the variant was classified as uncertain significance.

Counsyl
Classification: Uncertain significance for Niemann-Pick disease, type A. Last evaluated: 2018-05-23. Review status: no assertion criteria provided. Collection method: clinical testing. Allele origin: unknown. Not counted in ClinVar's aggregate classification.

Literature cited by the submitters: PubMed 12369017 (cited by Women's Health and Genetics/Laboratory Corporation of America, LabCorp and Counsyl).